The following is an entry in ClinVar:

ClinVar aggregate classification (germline): Uncertain significance (1 of 4 stars; one submission).

Conditions:
Limb-girdle muscular dystrophy due to POMK deficiency. Also called: Muscular dystrophy-dystroglycanopathy (limb-girdle), type c, 12; MUSCULAR DYSTROPHY-DYSTROGLYCANOPATHY, LIMB-GIRDLE, POMK-RELATED. Identifiers: Orphanet 445110, MedGen C4015184, MONDO:0014489, OMIM 616094.
Muscular dystrophy-dystroglycanopathy (congenital with brain and eye anomalies), type a, 12 (MDDGA12). Also called: WALKER-WARBURG SYNDROME OR MUSCLE-EYE-BRAIN DISEASE, POMK-RELATED. Identifiers: Orphanet 899, MedGen C3808964, MONDO:0014101, OMIM 615249.

Submission:

Labcorp Genetics (formerly Invitae), Labcorp
Classification: Uncertain significance for Muscular dystrophy-dystroglycanopathy (congenital with brain and eye anomalies), type a, 12; Limb-girdle muscular dystrophy due to POMK deficiency. Last evaluated: 2022-05-24. Review status: criteria provided, single submitter. Criteria: Invitae Variant Classification Sherloc (09022015). Collection method: clinical testing. Allele origin: germline.
Comment: In summary, the available evidence is currently insufficient to determine the role of this variant in disease. Therefore, it has been classified as a Variant of Uncertain Significance. Algorithms developed to predict the effect of missense changes on protein structure and function (SIFT, PolyPhen-2, Align-GVGD) all suggest that this variant is likely to be disruptive. This variant has not been reported in the literature in individuals affected with POMK-related conditions. This variant is not present in population databases (gnomAD no frequency). This sequence change replaces aspartic acid, which is acidic and polar, with histidine, which is basic and polar, at codon 270 of the POMK protein (p.Asp270His).

NM_032237.5(POMK):c.808G>C (p.Asp270His)

Gene: POMK (protein O-mannose kinase; plus strand). Cytogenetic location: 8p11.21.
Variant type: single nucleotide variant.
Coding change: c.808G>C on transcript NM_032237.5 (MANE Select); coding-DNA position 808, G replaced by C.
Protein change: p.Asp270His; replaces aspartic acid 270 with histidine.
Molecular consequence: missense variant.
Genome position (GRCh38, 1-based): chr8:43,122,632, G>C. VCF-style: chr8-43122632-G-C. GRCh37 (hg19) VCF-style: chr8-42977775-G-C.
Other names: c.808G>C, p.Asp270His (NM_001277971.2); short protein forms D270H.
Identifiers: ClinVar variation 1998287 (VCV001998287.4), dbSNP rs1295331795, ClinGen allele CA371122712.
Genomic context (GRCh38, chr8:43,122,632, plus strand): 5'-CATGGGGATTTCGTGGCTCCAGAGCAACTGTGGCCCTATGGAGAGGACGTGCCTTTCCAC[G>C]ATGATCTCATGCCCTCATATGATGAGAAGATTGACATTTGGAAGATCCCAGACATCTCCA-3'
Protein context (NP_115613.1, residues 260-280): WPYGEDVPFH[Asp270His]DLMPSYDEKI